The following is an entry in ClinVar:

NM_001378615.1(CC2D2A):c.2006C>A (p.Ala669Glu)

Genes: CC2D2A (coiled-coil and C2 domain containing 2A; plus strand), FBXL5 (F-box and leucine rich repeat protein 5; minus strand). Cytogenetic location: 4p15.32.
Variant type: single nucleotide variant.
Coding change: c.2006C>A on transcript NM_001378615.1 (MANE Select); coding-DNA position 2006, C replaced by A.
Protein change: p.Ala669Glu; replaces alanine 669 with glutamic acid.
Molecular consequence: missense variant.
Genome position (GRCh38, 1-based): chr4:15,540,839, C>A. VCF-style: chr4-15540839-C-A. GRCh37 (hg19) VCF-style: chr4-15542462-C-A.
Other names: c.2006C>A, p.Ala669Glu (NM_001080522.2); c.1859C>A, p.Ala620Glu (NM_001378617.1); short protein forms A620E, A669E.
Identifiers: ClinVar variation 966991 (VCV000966991.11), dbSNP rs953243101, ClinGen allele CA92533812.

ClinVar aggregate classification (germline): Uncertain significance. Review status: criteria provided, multiple submitters, no conflicts (2 of 4 stars). 2 submissions from 2 submitters: Uncertain significance (2). Last evaluated 2025-06-09.

Conditions:
Inborn genetic diseases. Identifiers: MedGen C0950123, MeSH D030342.
Meckel-Gruber syndrome. Also called: Dysencephalia splachnocystica; DYSENCEPHALIA SPLANCHNOCYSTICA; GRUBER SYNDROME. Identifiers: Orphanet 564, MedGen C0265215, MONDO:0018921.
Joubert syndrome. Also called: Familial aplasia of the vermis; JOUBERT-BOLTSHAUSER SYNDROME. Identifiers: Orphanet 475, MedGen C5979921, MONDO:0018772.

Allele frequency attached by ClinVar (database versions not stated): TOPMed 0.00001.

Submissions (2):

Labcorp Genetics (formerly Invitae), Labcorp
Classification: Uncertain significance for Joubert syndrome; Meckel-Gruber syndrome. Last evaluated: 2025-06-09. Review status: criteria provided, single submitter. Criteria: Invitae Variant Classification Sherloc (09022015). Collection method: clinical testing. Allele origin: germline.
Comment: This sequence change replaces alanine, which is neutral and non-polar, with glutamic acid, which is acidic and polar, at codon 669 of the CC2D2A protein (p.Ala669Glu). This variant is not present in population databases (gnomAD no frequency). This variant has not been reported in the literature in individuals affected with CC2D2A-related conditions. ClinVar contains an entry for this variant (Variation ID: 966991). Invitae Evidence Modeling of protein sequence and biophysical properties (such as structural, functional, and spatial information, amino acid conservation, physicochemical variation, residue mobility, and thermodynamic stability) indicates that this missense variant is not expected to disrupt CC2D2A protein function with a negative predictive value of 95%. In summary, the available evidence is currently insufficient to determine the role of this variant in disease. Therefore, it has been classified as a Variant of Uncertain Significance.

Ambry Genetics
Classification: Uncertain significance for Inborn genetic diseases. Last evaluated: 2025-06-03. Review status: criteria provided, single submitter. Criteria: Ambry Variant Classification Scheme 2023. Collection method: clinical testing. Allele origin: germline.